The following is an entry in ClinVar:

NM_005502.4(ABCA1):c.5572G>A (p.Val1858Met)

Gene: ABCA1 (ATP binding cassette subfamily A member 1; minus strand). Cytogenetic location: 9q31.1.
Variant type: single nucleotide variant.
Coding change: c.5572G>A on transcript NM_005502.4 (MANE Select); coding-DNA position 5572, G replaced by A.
Protein change: p.Val1858Met; replaces valine 1858 with methionine.
Molecular consequence: missense variant.
Genome position (GRCh38, 1-based): chr9:104,793,235, C>T on the plus strand (G>A on the coding strand, the complement: ABCA1 is on the minus strand). VCF-style: chr9-104793235-C-T. GRCh37 (hg19) VCF-style: chr9-107555516-C-T.
Other names: short protein forms V1858M.
Identifiers: ClinVar variation 4847437 (VCV004847437.1).

ClinVar aggregate classification (germline): Uncertain significance (1 of 4 stars; one submission).

gnomAD v4.1: 15 of 1,613,998 alleles (0.00093%); highest among the groups gnomAD compares: African/African-American, 0.004%; no homozygotes.

Submission:

Women's Health and Genetics/Laboratory Corporation of America, LabCorp
Classification: Uncertain significance. Last evaluated: 2026-03-06. Review status: criteria provided, single submitter. Criteria: LabCorp Variant Classification Summary - May 2015. Collection method: clinical testing. Allele origin: germline.
Comment: Variant summary: ABCA1 c.5572G>A (p.Val1858Met) results in a conservative amino acid change in the encoded protein sequence. Algorithms developed to predict the effect of missense changes on protein structure and function are either unavailable or do not agree on the potential impact of this missense change. The variant allele was found at a frequency of 8e-06 in 251208 control chromosomes. The available data on variant occurrences in the general population are insufficient to allow any conclusion about variant significance. To our knowledge, no occurrence of c.5572G>A in individuals affected with ABCA1-related conditions and no experimental evidence demonstrating its impact on protein function have been reported. No submitters have cited clinical-significance assessments for this variant to ClinVar. Based on the evidence outlined above, the variant was classified as uncertain significance.